The following is an entry in ClinVar:

NM_005876.5(SPEG):c.5744G>A (p.Ser1915Asn)

Genes: ASIC4-AS1 (ASIC4 antisense RNA 1; minus strand), SPEG (striated muscle enriched protein kinase; plus strand). Cytogenetic location: 2q35.
Variant type: single nucleotide variant.
Coding change: c.5744G>A on transcript NM_005876.5 (MANE Select); coding-DNA position 5744, G replaced by A.
Protein change: p.Ser1915Asn; replaces serine 1915 with asparagine.
Molecular consequence: missense variant.
Genome position (GRCh38, 1-based): chr2:219,483,207, G>A. VCF-style: chr2-219483207-G-A. GRCh37 (hg19) VCF-style: chr2-220347929-G-A.
Other names: short protein forms S1915N.
Identifiers: ClinVar variation 1425845 (VCV001425845.6), dbSNP rs1351892519, ClinGen allele CA350693300.

ClinVar aggregate classification (germline): Uncertain significance (1 of 4 stars; one submission).

Allele frequency attached by ClinVar (database versions not stated): TOPMed below 0.00001; gnomAD 0.00001.

Submission:

Labcorp Genetics (formerly Invitae), Labcorp
Classification: Uncertain significance. Last evaluated: 2022-06-20. Review status: criteria provided, single submitter. Criteria: Invitae Variant Classification Sherloc (09022015). Collection method: clinical testing. Allele origin: germline.
Comment: In summary, the available evidence is currently insufficient to determine the role of this variant in disease. Therefore, it has been classified as a Variant of Uncertain Significance. Algorithms developed to predict the effect of missense changes on protein structure and function are either unavailable or do not agree on the potential impact of this missense change (SIFT: "Tolerated"; PolyPhen-2: "Probably Damaging"; Align-GVGD: "Class C0"). This variant has not been reported in the literature in individuals affected with SPEG-related conditions. This variant is not present in population databases (gnomAD no frequency). This sequence change replaces serine, which is neutral and polar, with asparagine, which is neutral and polar, at codon 1915 of the SPEG protein (p.Ser1915Asn).